The following is an entry in ClinVar:

ClinVar aggregate classification (germline): Uncertain significance. Review status: criteria provided, multiple submitters, no conflicts (2 of 4 stars). 2 submissions from 2 submitters: Uncertain significance (2). Last evaluated 2025-07-23.

Conditions:
Hereditary cancer-predisposing syndrome. Also called: Hereditary neoplastic syndrome; Hereditary Cancer Syndrome; Neoplastic Syndromes, Hereditary; Tumor predisposition. Identifiers: Orphanet 140162, MedGen C0027672, MeSH D009386, MONDO:0015356.
Neuroblastoma, susceptibility to, 3. Also called: ALK-Related Neuroblastic Tumor Susceptibility. Identifiers: Orphanet 635, MedGen C2751681, MONDO:0013083, OMIM 613014.

Allele frequency attached by ClinVar (database versions not stated): gnomAD exomes below 0.00001.
gnomAD v4.1: 2 of 1,614,126 alleles (0.00012%); highest among the groups gnomAD compares: Non-Finnish European, 0.00017%; no homozygotes.

Submissions (2):

Ambry Genetics
Classification: Uncertain significance for Hereditary cancer-predisposing syndrome. Last evaluated: 2025-07-23. Review status: criteria provided, single submitter. Criteria: Ambry Variant Classification Scheme 2023. Collection method: clinical testing. Allele origin: germline.
Comment: The c.1414+3G>A intronic variant results from a G to A substitution 3 nucleotides after coding exon 6 in the ALK gene. This nucleotide position is well conserved in available vertebrate species. In silico splice site analysis predicts that this alteration will not have any significant effect on splicing. Based on the available evidence, the clinical significance of this variant remains unclear.

Labcorp Genetics (formerly Invitae), Labcorp
Classification: Uncertain significance for Neuroblastoma, susceptibility to, 3. Last evaluated: 2023-09-19. Review status: criteria provided, single submitter. Criteria: Invitae Variant Classification Sherloc (09022015). Collection method: clinical testing. Allele origin: germline.
Comment: This sequence change falls in intron 6 of the ALK gene. It does not directly change the encoded amino acid sequence of the ALK protein. It affects a nucleotide within the consensus splice site. In summary, the available evidence is currently insufficient to determine the role of this variant in disease. Therefore, it has been classified as a Variant of Uncertain Significance. Variants that disrupt the consensus splice site are a relatively common cause of aberrant splicing (PMID: 17576681, 9536098). Algorithms developed to predict the effect of sequence changes on RNA splicing suggest that this variant is not likely to affect RNA splicing. This variant has not been reported in the literature in individuals affected with ALK-related conditions. This variant is present in population databases (no rsID available, gnomAD 0.0009%).

Literature cited by the submitters: PubMed 17576681 (cited by Labcorp Genetics (formerly Invitae), Labcorp); PubMed 9536098 (cited by Labcorp Genetics (formerly Invitae), Labcorp).

NM_004304.5(ALK):c.1414+3G>A

Gene: ALK (ALK receptor tyrosine kinase; minus strand). Cytogenetic location: 2p23.2.
Variant type: single nucleotide variant.
Coding change: c.1414+3G>A on transcript NM_004304.5 (MANE Select); 3 bases into the intron after coding-DNA position 1414, G replaced by A.
Molecular consequence: intron variant.
Genome position (GRCh38, 1-based): chr2:29,328,347, C>T on the plus strand (G>A on the coding strand, the complement: ALK is on the minus strand). VCF-style: chr2-29328347-C-T. GRCh37 (hg19) VCF-style: chr2-29551213-C-T.
Other names: c.1414+3G>A (NM_004304.4).
Identifiers: ClinVar variation 2727188 (VCV002727188.4), dbSNP rs1187514751, ClinGen allele CA531490108.
Genomic context (GRCh38, chr2:29,328,347, plus strand): 5'-GGGACAACGGGGTTATGAGCATGGGCTGGGCTCAGGCAGGGTGGGGCAGCCCCATCTACT[C>T]ACGGCACATCTGGCTCTCATCTTCTCCCTGGGCACAGTCCTGGTGGAAGTCACAGGCCTG-3'